The following is an entry in ClinVar:

NM_000336.3(SCNN1B):c.1074C>A (p.Tyr358Ter)

Gene: SCNN1B (sodium channel epithelial 1 subunit beta; plus strand). Cytogenetic location: 16p12.2.
Variant type: single nucleotide variant.
Coding change: c.1074C>A on transcript NM_000336.3 (MANE Select); coding-DNA position 1074, C replaced by A.
Protein change: p.Tyr358Ter; replaces tyrosine 358 with a stop codon.
Molecular consequence: nonsense.
Genome position (GRCh38, 1-based): chr16:23,371,805, C>A. VCF-style: chr16-23371805-C-A. GRCh37 (hg19) VCF-style: chr16-23383126-C-A.
Other names: short protein forms Y358*.
Identifiers: ClinVar variation 488409 (VCV000488409.2), dbSNP rs1182475940, ClinGen allele CA395109859.
Genomic context (GRCh38, chr16:23,371,805, plus strand): 5'-TGTCCCCCTCAAGCAACCCCTCTAAACACAGGACAAGCTTCAGCGCATGGGGGAGCCCTA[C>A]AGCCCGTGCACCGTGAATGGTTCTGAGGTCCCCGTCCAAAACTTCTACAGTGACTACAAC-3'

ClinVar aggregate classification (germline): Likely pathogenic (0 of 4 stars; one submission).

Conditions:
Pseudohypoaldosteronism, type IB1, autosomal recessive. Also called: Pseudohypoaldosteronism, Type I, Recessive; Pseudohypoaldosteronism, Type I, Autosomal Recessive; Autosomal recessive pseudohypoaldosteronism type 1; PHA I, AUTOSOMAL RECESSIVE. Identifiers: Orphanet 171876, Orphanet 756, MedGen C5774176, MONDO:0009917, OMIM 264350.

Submission:

Foundation for Research in Genetics and Endocrinology, FRIGE's Institute of Human Genetics
Classification: Likely pathogenic for Pseudohypoaldosteronism, type IB1, autosomal recessive. Last evaluated: 2018-01-10. Review status: no assertion criteria provided. Collection method: clinical testing. Allele origin: germline. Inheritance: Autosomal recessive inheritance. Affected: no. Observed: 2 variant alleles, 2 heterozygotes.
Comment: The observed variant c.1074C>A (p.Y358X) is not reported in The 1000 Genomes and ExAC databases. The in silico prediction of the variant is damaging by LRT and MutationTaster2.